The following is an entry in ClinVar:

NM_000189.5(HK2):c.966G>A (p.Gly322=)

Gene: HK2 (hexokinase 2; plus strand). Cytogenetic location: 2p12.
Variant type: single nucleotide variant.
Coding change: c.966G>A on transcript NM_000189.5 (MANE Select); coding-DNA position 966, G replaced by A.
Protein change: p.Gly322=; no amino-acid change (glycine 322 retained).
Molecular consequence: synonymous variant.
Genome position (GRCh38, 1-based): chr2:74,877,256, G>A. VCF-style: chr2-74877256-G-A. GRCh37 (hg19) VCF-style: chr2-75104383-G-A.
Other names: c.882G>A, p.Gly294= (NM_001371525.2).
Identifiers: ClinVar variation 3043348 (VCV003043348.2), dbSNP rs143931243, ClinGen allele CA1731273.

ClinVar aggregate classification (germline): Likely benign (0 of 4 stars; one submission).

Conditions:
HK2-related disorder. Also called: HK2-related condition.

Allele frequency attached by ClinVar (database versions not stated): ESP Exome Variant Server 0.00131; 1000 Genomes Project 0.00220; ExAC 0.00042; 1000 Genomes Project 30x 0.00172; TOPMed 0.00118; gnomAD 0.00126.
gnomAD v4.1: 391 of 1,614,170 alleles (0.024%); highest among the groups gnomAD compares: African/African-American, 0.45%; 5 homozygotes.

Submission:

PreventionGenetics, part of Exact Sciences
Classification: Likely benign for HK2-related condition. Last evaluated: 2019-02-21. Review status: no assertion criteria provided. Collection method: clinical testing. Allele origin: germline.
Comment: This variant is classified as likely benign based on ACMG/AMP sequence variant interpretation guidelines (Richards et al. 2015 PMID: 25741868, with internal and published modifications).